The following is an entry in ClinVar:

NM_001048174.2(MUTYH):c.1213G>T (p.Ala405Ser)

Gene: MUTYH (mutY DNA glycosylase; minus strand). Cytogenetic location: 1p34.1.
Variant type: single nucleotide variant.
Coding change: c.1213G>T on transcript NM_001048174.2 (MANE Select); coding-DNA position 1213, G replaced by T.
Protein change: p.Ala405Ser; replaces alanine 405 with serine.
Molecular consequence: missense variant. On other transcripts: non-coding transcript variant (7).
Genome position (GRCh38, 1-based): chr1:45,331,446, C>A on the plus strand (G>T on the coding strand, the complement: MUTYH is on the minus strand). VCF-style: chr1-45331446-C-A. GRCh37 (hg19) VCF-style: chr1-45797118-C-A.
Other names: c.1213G>T, p.Ala405Ser (NM_001407073.1, NM_001407081.1, NM_001048171.2 and 6 more transcripts); c.1129G>T, p.Ala377Ser (NM_001407075.1); c.1246G>T, p.Ala416Ser (NM_001407077.1, NM_001293191.2, NM_001407069.1); c.1216G>T, p.Ala406Ser (NM_001407078.1, NM_001048172.2, NM_001407071.1 and 1 more transcripts); c.1174G>T, p.Ala392Ser (NM_001407079.1); c.1171G>T, p.Ala391Ser (NM_001407080.1); c.868G>T, p.Ala290Ser (NM_001407082.1, NM_001350650.2, NM_001350651.2); c.1255G>T, p.Ala419Ser (NM_001407083.1, NM_001407085.1); and 5 more; short protein forms A290S, A392S, A419S, A391S, A412S, A420S, A433S, A313S.
Identifiers: ClinVar variation 2848608 (VCV002848608.4), dbSNP rs1553125609, ClinGen allele CA340132870.

ClinVar aggregate classification (germline): Conflicting classifications of pathogenicity. Review status: criteria provided, conflicting classifications (1 of 4 stars). 2 submissions from 2 submitters: Uncertain significance (1); Likely benign (1). Last evaluated 2025-05-28.

Conditions:
Familial adenomatous polyposis 2. Also called: COLORECTAL ADENOMATOUS POLYPOSIS, AUTOSOMAL RECESSIVE; ADENOMAS, MULTIPLE COLORECTAL, AUTOSOMAL RECESSIVE; MUTYH-related attenuated familial adenomatous polyposis; MUTYH-associated polyposis; MYH-associated polyposis; MUTYH Polyposis. Identifiers: Orphanet 220460, Orphanet 247798, MedGen C3272841, MONDO:0012041, OMIM 608456.
Hereditary cancer-predisposing syndrome. Also called: Tumor predisposition; Hereditary neoplastic syndrome; Hereditary Cancer Syndrome; Neoplastic Syndromes, Hereditary. Identifiers: Orphanet 140162, MedGen C0027672, MeSH D009386, MONDO:0015356.

Submissions (2):

Ambry Genetics
Classification: Likely benign for Hereditary cancer-predisposing syndrome. Last evaluated: 2025-05-28. Review status: criteria provided, single submitter. Criteria: Ambry Variant Classification Scheme 2023. Collection method: clinical testing. Allele origin: germline.

Labcorp Genetics (formerly Invitae), Labcorp
Classification: Uncertain significance for Familial adenomatous polyposis 2. Last evaluated: 2024-08-24. Review status: criteria provided, single submitter. Criteria: Invitae Variant Classification Sherloc (09022015). Collection method: clinical testing. Allele origin: germline.
Comment: This sequence change replaces alanine, which is neutral and non-polar, with serine, which is neutral and polar, at codon 433 of the MUTYH protein (p.Ala433Ser). This variant is not present in population databases (gnomAD no frequency). This variant has not been reported in the literature in individuals affected with MUTYH-related conditions. An algorithm developed to predict the effect of missense changes on protein structure and function (PolyPhen-2) suggests that this variant is likely to be tolerated. In summary, the available evidence is currently insufficient to determine the role of this variant in disease. Therefore, it has been classified as a Variant of Uncertain Significance.